The following is an entry in ClinVar:

NM_001110556.2(FLNA):c.5033C>T (p.Ala1678Val)

Gene: FLNA (filamin A; minus strand). Cytogenetic location: Xq28.
Variant type: single nucleotide variant.
Coding change: c.5033C>T on transcript NM_001110556.2 (MANE Select); coding-DNA position 5033, C replaced by T.
Protein change: p.Ala1678Val; replaces alanine 1678 with valine.
Molecular consequence: missense variant.
Genome position (GRCh38, 1-based): chrX:154,355,009, G>A on the plus strand (C>T on the coding strand, the complement: FLNA is on the minus strand). VCF-style: chrX-154355009-G-A. GRCh37 (hg19) VCF-style: chrX-153583377-G-A.
Other names: c.5009C>T, p.Ala1670Val (NM_001456.4); short protein forms A1670V, A1678V.
Identifiers: ClinVar variation 567142 (VCV000567142.11), dbSNP rs1382817700, ClinGen allele CA415208289.

ClinVar aggregate classification (germline): Uncertain significance (1 of 4 stars; one submission).

Conditions:
Heterotopia, periventricular, X-linked dominant (PVNH1). Also called: PERIVENTRICULAR NODULAR HETEROTOPIA 4; HETEROTOPIA, PERIVENTRICULAR, 1; PERIVENTRICULAR NODULAR HETEROTOPIA 1; X-linked periventricular heterotopia. Identifiers: Orphanet 2149, Orphanet 82004, MedGen C1848213, MONDO:0010233, OMIM 300049.
Melnick-Needles syndrome (MNS). Also called: Melnick-Needles Syndrome (FLNA-MNS); MELNICK-NEEDLES OSTEODYSPLASTY; OSTEODYSPLASTY OF MELNICK AND NEEDLES. Identifiers: Orphanet 2484, MedGen C0025237, MONDO:0010650, OMIM 309350.
Frontometaphyseal dysplasia (FMD1). Identifiers: Orphanet 1826, MedGen C0265293, MONDO:0015942.
Oto-palato-digital syndrome, type II (OPD2). Also called: Otopalatodigital Syndrome Type 2 (FLNA-OPD2); Otopalatodigital Syndrome, Type II; FACIOPALATOOSSEOUS SYNDROME; OPD II SYNDROME. Identifiers: Orphanet 669, Orphanet 90652, MedGen C1844696, MONDO:0010571, OMIM 304120.

Allele frequency attached by ClinVar (database versions not stated): gnomAD exomes below 0.00001 and 0.00001; TOPMed 0.00001.
gnomAD v4.1: 2 of 1,211,447 alleles (0.00017%); highest among the groups gnomAD compares: Admixed American, 0.0022%; no homozygotes.

Submissions (2):

Labcorp Genetics (formerly Invitae), Labcorp
Classification: Uncertain significance for Oto-palato-digital syndrome, type II; Heterotopia, periventricular, X-linked dominant; Frontometaphyseal dysplasia; Melnick-Needles syndrome. Last evaluated: 2018-04-01. Review status: criteria provided, single submitter. Criteria: Invitae Variant Classification Sherloc (09022015). Collection method: clinical testing. Allele origin: germline.
Comment: This sequence change replaces alanine with valine at codon 1670 of the FLNA protein (p.Ala1670Val). The alanine residue is highly conserved and there is a small physicochemical difference between alanine and valine. This variant is not present in population databases (ExAC no frequency). This variant has not been reported in the literature in individuals with FLNA-related disease. Algorithms developed to predict the effect of missense changes on protein structure and function (SIFT, PolyPhen-2, Align-GVGD) all suggest that this variant is likely to be disruptive, but these predictions have not been confirmed by published functional studies and their clinical significance is uncertain. Algorithms developed to predict the effect of sequence changes on RNA splicing suggest that this variant may create or strengthen a splice site, but this prediction has not been confirmed by published transcriptional studies. In summary, the available evidence is currently insufficient to determine the role of this variant in disease. Therefore, it has been classified as a Variant of Uncertain Significance.

Dr. Peter K. Rogan Lab, Western University
No classification provided (evidence only). Condition: Thyroid cancer, nonmedullary, 1. Review status: no classification provided. Collection method: in vitro. Allele origin: not applicable. Functional consequence: retained intron. Not counted in ClinVar's aggregate classification.